The following is an entry in ClinVar:

ClinVar aggregate classification (germline): Uncertain significance (1 of 4 stars; one submission).

Conditions:
Vici syndrome (VICIS). Identifiers: Orphanet 1493, MedGen C1855772, MONDO:0009452, OMIM 242840.

Submission:

Labcorp Genetics (formerly Invitae), Labcorp
Classification: Uncertain significance for Vici syndrome. Last evaluated: 2022-03-02. Review status: criteria provided, single submitter. Criteria: Invitae Variant Classification Sherloc (09022015). Collection method: clinical testing. Allele origin: germline.
Comment: In summary, the available evidence is currently insufficient to determine the role of this variant in disease. Therefore, it has been classified as a Variant of Uncertain Significance. Algorithms developed to predict the effect of missense changes on protein structure and function (SIFT, PolyPhen-2, Align-GVGD) all suggest that this variant is likely to be tolerated. This variant has not been reported in the literature in individuals affected with EPG5-related conditions. This variant is not present in population databases (gnomAD no frequency). This sequence change replaces histidine, which is basic and polar, with aspartic acid, which is acidic and polar, at codon 1171 of the EPG5 protein (p.His1171Asp).

NM_020964.3(EPG5):c.3511C>G (p.His1171Asp)

Gene: EPG5 (ectopic P-granules 5 autophagy tethering factor; minus strand). Cytogenetic location: 18q21.1.
Variant type: single nucleotide variant.
Coding change: c.3511C>G on transcript NM_020964.3 (MANE Select); coding-DNA position 3511, C replaced by G.
Protein change: p.His1171Asp; replaces histidine 1171 with aspartic acid.
Molecular consequence: missense variant.
Genome position (GRCh38, 1-based): chr18:45,916,080, G>C on the plus strand (C>G on the coding strand, the complement: EPG5 is on the minus strand). VCF-style: chr18-45916080-G-C. GRCh37 (hg19) VCF-style: chr18-43496045-G-C.
Other names: short protein forms H1171D.
Identifiers: ClinVar variation 1367358 (VCV001367358.9), dbSNP rs774835244, ClinGen allele CA402342278.